The following is an entry in ClinVar:

ClinVar aggregate classification (germline): Uncertain significance (1 of 4 stars; one submission).

Conditions:
Immunodeficiency 104. Also called: Severe combined immunodeficiency, autosomal recessive, T cell-negative, B cell-positive, NK cell-positive; SCID, AUTOSOMAL RECESSIVE, T CELL-NEGATIVE, B CELL-POSITIVE, NK CELL-POSITIVE; Severe Combined Immune Deficiency, Autosomal Recessive, TCell -Negative, B Cell-Positive, NK Cell-Positive, IL7R-Related; IMMUNODEFICIENCY 104, SEVERE COMBINED. Identifiers: MedGen C5676890, MONDO:0012163, OMIM 608971.

Allele frequency attached by ClinVar (database versions not stated): gnomAD exomes below 0.00001 and 0.00001; TOPMed below 0.00001; ExAC 0.00001.
gnomAD v4.1: 7 of 1,612,566 alleles (0.00043%); highest among the groups gnomAD compares: Admixed American, 0.0017%; no homozygotes.

Submission:

Labcorp Genetics (formerly Invitae), Labcorp
Classification: Uncertain significance for Immunodeficiency 104. Last evaluated: 2021-08-26. Review status: criteria provided, single submitter. Criteria: Invitae Variant Classification Sherloc (09022015). Collection method: clinical testing. Allele origin: germline.
Comment: This sequence change replaces arginine with cysteine at codon 1102 of the PTPRC protein (p.Arg1102Cys). The arginine residue is highly conserved and there is a large physicochemical difference between arginine and cysteine. The frequency data for this variant in the population databases is considered unreliable, as metrics indicate poor data quality at this position in the ExAC database. This variant has not been reported in the literature in individuals affected with PTPRC-related conditions. Algorithms developed to predict the effect of missense changes on protein structure and function (SIFT, PolyPhen-2, Align-GVGD) all suggest that this variant is likely to be disruptive. In summary, the available evidence is currently insufficient to determine the role of this variant in disease. Therefore, it has been classified as a Variant of Uncertain Significance.

NM_002838.5(PTPRC):c.3304C>T (p.Arg1102Cys)

Gene: PTPRC (protein tyrosine phosphatase receptor type C; plus strand). Cytogenetic location: 1q32.1.
Variant type: single nucleotide variant.
Coding change: c.3304C>T on transcript NM_002838.5 (MANE Select); coding-DNA position 3304, C replaced by T.
Protein change: p.Arg1102Cys; replaces arginine 1102 with cysteine.
Molecular consequence: missense variant.
Genome position (GRCh38, 1-based): chr1:198,752,345, C>T. VCF-style: chr1-198752345-C-T. GRCh37 (hg19) VCF-style: chr1-198721474-C-T.
Other names: c.2821C>T, p.Arg941Cys (NM_080921.4); short protein forms R1102C, R941C.
Identifiers: ClinVar variation 836251 (VCV000836251.7), dbSNP rs760921606, ClinGen allele CA1315402.